The following is an entry in ClinVar:

NM_024757.5(EHMT1):c.3520del (p.Leu1174fs)

Gene: EHMT1 (euchromatic histone lysine methyltransferase 1; plus strand). Cytogenetic location: 9q34.3.
Variant type: Deletion.
Coding change: c.3520del on transcript NM_024757.5 (MANE Select); coding-DNA position 3520, one base deleted (C; older notation c.3520delC).
Protein change: p.Leu1174fs; shifts the reading frame from leucine 1174.
Molecular consequence: frameshift variant.
Genome position (GRCh38, 1-based): chr9:137,818,118, C deleted; the last of 2 consecutive C bases (chr9:137,818,117-137,818,118); deleting either gives the same sequence. VCF-style (leftmost placement, unchanged base first): chr9-137818116-AC-A. GRCh37 (hg19) VCF-style: chr9-140712568-AC-A.
Other names: c.3499del, p.Leu1167fs (NM_001354263.2); short protein forms L1167fs, L1174fs.
Identifiers: ClinVar variation 986846 (VCV000986846.9), dbSNP rs1955070984, ClinGen allele CA658773585.

ClinVar aggregate classification (germline): Pathogenic. Review status: criteria provided, multiple submitters, no conflicts (2 of 4 stars). 3 submissions from 3 submitters: Pathogenic (3). Last evaluated 2024-11-11.

Conditions:
Kleefstra syndrome 1 (KLEFS1). Identifiers: Orphanet 261494, MedGen C0795833, MONDO:0027407, OMIM 610253.

Submissions (3):

Victorian Clinical Genetics Services, Murdoch Childrens Research Institute
Classification: Pathogenic for Kleefstra syndrome 1. Last evaluated: 2024-11-11. Review status: criteria provided, single submitter. Criteria: ACMG Guidelines, 2015. Collection method: clinical testing. Allele origin: germline. Affected: yes.
Comment: This variant is classified as Pathogenic. Evidence in support of pathogenic classification: Variant is predicted to result in a truncated protein (premature termination codon is NOT located at least 54 nucleotides upstream of the final exon-exon junction) with less than 1/3 of the protein sequence affected; Variant is absent from gnomAD (v2, v3 and v4); This variant has moderate previous evidence of pathogenicity in unrelated individuals. This variant has been classified as pathogenic by a clinical laboratory (ClinVar) and was observed as de novo in an individual with EHMT1-related features (DECIPHER); Other protein truncating variants comparable to the one identified in this case have very strong previous evidence for pathogenicity (DECIPHER). Additional information: This variant is heterozygous; This gene is associated with autosomal dominant disease; Variant affects the annotated SET domain (DECIPHER); Loss of function is a known mechanism of disease in this gene and is associated with Kleefstra syndrome 1 (MIM#610253); Inheritance information for this variant is not currently available in this individual.

Institute of Human Genetics Munich, TUM University Hospital
Classification: Pathogenic for Kleefstra syndrome 1. Last evaluated: 2024-08-29. Review status: criteria provided, single submitter. Criteria: Classification criteria August 2017. Collection method: clinical testing. Allele origin: germline. Inheritance: Autosomal dominant inheritance. Affected: yes. Observed: 1 variant allele.

Institute of Medical Genetics and Applied Genomics, University Hospital Tübingen
Classification: Pathogenic. Last evaluated: 2020-10-23. Review status: criteria provided, single submitter. Criteria: ACMG Guidelines, 2015. Collection method: clinical testing. Allele origin: germline. Inheritance: Unknown mechanism. Affected: yes.